The following is an entry in ClinVar:

NM_001080421.3(UNC13A):c.1689G>C (p.Thr563=)

Gene: UNC13A (unc-13 homolog A; minus strand). Cytogenetic location: 19p13.11.
Variant type: single nucleotide variant.
Coding change: c.1689G>C on transcript NM_001080421.3 (MANE Select); coding-DNA position 1689, G replaced by C.
Protein change: p.Thr563=; no amino-acid change (threonine 563 retained).
Molecular consequence: synonymous variant.
Genome position (GRCh38, 1-based): chr19:17,648,558, C>G on the plus strand (G>C on the coding strand, the complement: UNC13A is on the minus strand). VCF-style: chr19-17648558-C-G. GRCh37 (hg19) VCF-style: chr19-17759367-C-G.
Other names: c.1683G>C, p.Thr561= (NM_001387021.1, NM_001387022.1, NM_001387023.1).
Identifiers: ClinVar variation 4989374 (VCV004989374.1).

ClinVar aggregate classification (germline): Likely benign (1 of 4 stars; one submission).

Conditions:
UNC13A-related disorder. Also called: UNC13A-related condition.

Submission:

PreventionGenetics, part of Exact Sciences
Classification: Likely benign for UNC13A-related condition. Last evaluated: 2025-02-13. Review status: criteria provided, single submitter. Criteria: ACMG Guidelines, 2015. Collection method: clinical testing. Allele origin: germline.
Comment: This variant is classified as likely benign based on ACMG/AMP sequence variant interpretation guidelines (Richards et al. 2015 PMID: 25741868, with internal and published modifications).